The following is an entry in ClinVar:

NM_006031.6(PCNT):c.2906_2913del (p.Asp969fs)

Gene: PCNT (pericentrin; plus strand). Cytogenetic location: 21q22.3.
Variant type: Deletion.
Coding change: c.2906_2913del on transcript NM_006031.6 (MANE Select); coding-DNA positions 2906 to 2913, 8 bases deleted (ATTCTTTG; older notation c.2906_2913delATTCTTTG).
Protein change: p.Asp969fs; shifts the reading frame from aspartic acid 969.
Molecular consequence: frameshift variant.
Genome position (GRCh38, 1-based): chr21:46,366,880-46,366,887, ATTCTTTG deleted; deleting any 8 consecutive bases within chr21:46,366,877-46,366,887 gives the same sequence; the c. name uses the placement nearest the transcript's 3' end. VCF-style (leftmost placement, unchanged base first): chr21-46366876-CTTGATTCT-C. GRCh37 (hg19) VCF-style: chr21-47786791-CTTGATTCT-C.
Other names: c.2552_2559del, p.Asp851fs (NM_001315529.2); short protein forms D851fs, D969fs.
Identifiers: ClinVar variation 2697916 (VCV002697916.3), dbSNP rs2518263394, ClinGen allele CA2577633569.

ClinVar aggregate classification (germline): Pathogenic (1 of 4 stars; one submission).

Submission:

Labcorp Genetics (formerly Invitae), Labcorp
Classification: Pathogenic. Last evaluated: 2023-11-27. Review status: criteria provided, single submitter. Criteria: Invitae Variant Classification Sherloc (09022015). Collection method: clinical testing. Allele origin: germline.
Comment: This sequence change creates a premature translational stop signal (p.Asp969Glyfs*7) in the PCNT gene. It is expected to result in an absent or disrupted protein product. Loss-of-function variants in PCNT are known to be pathogenic (PMID: 18174396, 22821869). This variant is not present in population databases (gnomAD no frequency). This variant has not been reported in the literature in individuals affected with PCNT-related conditions. For these reasons, this variant has been classified as Pathogenic.

Literature cited by the submitters: PubMed 18174396; PubMed 22821869.